The following is an entry in ClinVar:

NM_004370.6(COL12A1):c.2513C>T (p.Pro838Leu)

Gene: COL12A1 (collagen type XII alpha 1 chain; minus strand). Cytogenetic location: 6q13.
Variant type: single nucleotide variant.
Coding change: c.2513C>T on transcript NM_004370.6 (MANE Select); coding-DNA position 2513, C replaced by T.
Protein change: p.Pro838Leu; replaces proline 838 with leucine.
Molecular consequence: missense variant. On other transcripts: intron variant (1).
Genome position (GRCh38, 1-based): chr6:75,175,235, G>A on the plus strand (C>T on the coding strand, the complement: COL12A1 is on the minus strand). VCF-style: chr6-75175235-G-A. GRCh37 (hg19) VCF-style: chr6-75884951-G-A.
Other names: c.74-22753C>T (NM_080645.3); short protein forms P838L.
Identifiers: ClinVar variation 1316969 (VCV001316969.5), dbSNP rs368537733, ClinGen allele CA3893956.
Genomic context (GRCh38, chr6:75,175,235, plus strand): 5'-TCTTGAGTTTCACCCCCTGCCACTGGGGTATATGTGACGAGATACTGTTTCACTTTTCCT[G>A]GTGCCCCACTCCAAGATAATTTCATAGTAGACGTCGTAGGGTCAGAAACTCTTAAGTCTC-3'
Protein context (NP_004361.3, residues 828-848): STMKLSWSGA[Pro838Leu]GKVKQYLVTY

ClinVar aggregate classification (germline): Uncertain significance. Review status: criteria provided, multiple submitters, no conflicts (2 of 4 stars). 2 submissions from 2 submitters: Uncertain significance (2). Last evaluated 2026-01-18.

Conditions:
Bethlem myopathy 2 (BTHLM2). Identifiers: Orphanet 536516, Orphanet 610, MedGen C4225313, MONDO:0034022, OMIM 616471.
Ullrich congenital muscular dystrophy 2 (UCMD2). Identifiers: Orphanet 75840, MedGen C4225314, MONDO:0014654, OMIM 616470.

Allele frequency attached by ClinVar (database versions not stated): gnomAD exomes below 0.00001; TOPMed below 0.00001; ExAC 0.00001; gnomAD 0.00001; ESP Exome Variant Server 0.00008.
gnomAD v4.1: 3 of 1,613,988 alleles (0.00019%); highest among the groups gnomAD compares: Non-Finnish European, 0.00025%; no homozygotes.

Submissions (2):

Labcorp Genetics (formerly Invitae), Labcorp
Classification: Uncertain significance for Bethlem myopathy 2; Ullrich congenital muscular dystrophy 2. Last evaluated: 2026-01-18. Review status: criteria provided, single submitter. Criteria: Invitae Variant Classification Sherloc (09022015). Collection method: clinical testing. Allele origin: germline.
Comment: This sequence change replaces proline, which is neutral and non-polar, with leucine, which is neutral and non-polar, at codon 838 of the COL12A1 protein (p.Pro838Leu). This variant is present in population databases (rs368537733, gnomAD 0.0009%). This variant has not been reported in the literature in individuals affected with COL12A1-related conditions. ClinVar contains an entry for this variant (Variation ID: 1316969). Invitae Evidence Modeling of protein sequence and biophysical properties (such as structural, functional, and spatial information, amino acid conservation, physicochemical variation, residue mobility, and thermodynamic stability) indicates that this missense variant is not expected to disrupt COL12A1 protein function with a negative predictive value of 80%. In summary, the available evidence is currently insufficient to determine the role of this variant in disease. Therefore, it has been classified as a Variant of Uncertain Significance.

GeneDx
Classification: Uncertain significance. Last evaluated: 2019-05-13. Review status: criteria provided, single submitter. Criteria: GeneDx Variant Classification Process June 2021. Collection method: clinical testing. Allele origin: germline. Affected: yes.
Comment: Has not been previously published as pathogenic or benign to our knowledge; Not observed at a significant frequency in large population cohorts (Lek et al., 2016); In silico analysis, which includes protein predictors and evolutionary conservation, supports a deleterious effect